The following is an entry in ClinVar:

NM_001130823.3(DNMT1):c.2835C>T (p.Asn945=)

Gene: DNMT1 (DNA methyltransferase 1; minus strand). Cytogenetic location: 19p13.2.
Variant type: single nucleotide variant.
Coding change: c.2835C>T on transcript NM_001130823.3 (MANE Select); coding-DNA position 2835, C replaced by T.
Protein change: p.Asn945=; no amino-acid change (asparagine 945 retained).
Molecular consequence: synonymous variant.
Genome position (GRCh38, 1-based): chr19:10,146,410, G>A on the plus strand (C>T on the coding strand, the complement: DNMT1 is on the minus strand). VCF-style: chr19-10146410-G-A. GRCh37 (hg19) VCF-style: chr19-10257086-G-A.
Other names: c.2835C>T (LRG_362t1, NM_001130823.2); c.2787C>T, p.Asn929= (NM_001318730.2, NM_001379.4); c.2472C>T, p.Asn824= (NM_001318731.2).
Identifiers: ClinVar variation 290811 (VCV000290811.38), dbSNP rs539948794, ClinGen allele CA9187926.
Genomic context (GRCh38, chr19:10,146,410, plus strand): 5'-CTTGAACGTGAAGGCCTCAGGGGGCAGGTACACACCATCACCAACTCGGTACAGGATGCC[G>A]TTCTTGGTGGCTGAGTAGTAGAGGACCCGGCTATCCAGGTCCTCGAGCTGCTCCAGGACC-3'
Protein context (NP_001124295.1, residues 935-955): SRVLYYSATK[Asn945=]GILYRVGDGV

ClinVar aggregate classification (germline): Conflicting classifications of pathogenicity. Review status: criteria provided, conflicting classifications (1 of 4 stars). 5 submissions from 5 submitters: Uncertain significance (1); Likely benign (4). Last evaluated 2026-08-13.

Conditions:
DNMT1-related disorder. Also called: DNMT1-related condition. Identifiers: MedGen CN381527.
Hereditary sensory neuropathy-deafness-dementia syndrome. Also called: HSN IE; Hereditary sensory neuropathy type IE; NEUROPATHY, HEREDITARY SENSORY, WITH HEARING LOSS AND DEMENTIA; Hereditary Sensory and Autonomic Neuropathy Type 1E (HSAN1E). Identifiers: Orphanet 456318, MedGen C3279885, MONDO:0013584, OMIM 614116.

Allele frequency attached by ClinVar (database versions not stated): ExAC 0.00001; gnomAD 0.00001; gnomAD exomes 0.00001 and 0.00002; TOPMed 0.00001.
gnomAD v4.1: 19 of 1,614,116 alleles (0.0012%); highest among the groups gnomAD compares: Admixed American, 0.0033%; no homozygotes.

Submissions (5):

PreventionGenetics, part of Exact Sciences
Classification: Likely benign for DNMT1-related condition. Last evaluated: 2026-08-13. Review status: criteria provided, single submitter. Criteria: ACMG Guidelines, 2015. Collection method: clinical testing. Allele origin: germline.
Comment: This variant is classified as likely benign based on ACMG/AMP sequence variant interpretation guidelines (Richards et al. 2015 PMID: 25741868, with internal and published modifications).

Labcorp Genetics (formerly Invitae), Labcorp
Classification: Likely benign for Hereditary sensory neuropathy-deafness-dementia syndrome. Last evaluated: 2025-07-23. Review status: criteria provided, single submitter. Criteria: Invitae Variant Classification Sherloc (09022015). Collection method: clinical testing. Allele origin: germline.

CeGaT Center for Human Genetics Tuebingen
Classification: Likely benign. Last evaluated: 2022-11-01. Review status: criteria provided, single submitter. Criteria: CeGaT Center For Human Genetics Tuebingen Variant Classification Criteria Version 2. Collection method: clinical testing. Allele origin: germline. Affected: yes. Observed: 1 variant allele.
Comment: DNMT1: BP4, BP7

Eurofins Ntd Llc (ga)
Classification: Uncertain significance. Last evaluated: 2016-08-26. Review status: criteria provided, single submitter. Criteria: EGL Classification Definitions 2015. Collection method: clinical testing. Allele origin: germline. Observed: 1 variant allele, 1 heterozygote.

GeneDx
Classification: Likely benign. Last evaluated: 2016-07-05. Review status: criteria provided, single submitter. Criteria: GeneDx Variant Classification (06012015). Collection method: clinical testing. Allele origin: germline. Affected: yes.
Comment: This variant is considered likely benign or benign based on one or more of the following criteria: it is a conservative change, it occurs at a poorly conserved position in the protein, it is predicted to be benign by multiple in silico algorithms, and/or has population frequency not consistent with disease.